The following continues an entry in ClinVar:

NM_033380.3(COL4A5):c.1871G>A (p.Gly624Asp)

Gene: COL4A5. ClinVar aggregate classification (germline): Pathogenic/Likely pathogenic. Pathogenic (34); Likely pathogenic (6).

Submissions 20 to 35 of 43:

Fulgent Genetics
Classification: Pathogenic for X-linked Alport syndrome. Last evaluated: 2024-06-11. Review status: criteria provided, single submitter. Criteria: ACMG Guidelines, 2015. Collection method: clinical testing. Allele origin: germline.

GeneDx
Classification: Pathogenic. Last evaluated: 2024-03-06. Review status: criteria provided, single submitter. Criteria: GeneDx Variant Classification Process June 2021. Collection method: clinical testing. Allele origin: germline. Affected: yes.
Comment: Identified in some individuals with late-onset end stage renal disease, thin basement membrane nephropathy, and/or hematuria without additional clinical findings of Alport syndrome referred for genetic testing at GeneDx and in published literature (PMID: 9848783, 19965530, 21332469, 17396119, 24470729); Affects a glycine residue in a Gly-X-Y motif in the triple helical region of the COL4A5 gene; In silico analysis supports that this missense variant has a deleterious effect on protein structure/function; This variant is associated with the following publications: (PMID: 21332469, 30661074, 19965530, 29854973, 28844315, 30348286, 30586318, 33309955, 17396119, 11223851, 26809805, 24470729, 30691124, 26934356, 20378821, 19728970, 31850286, 33352548, 31754267, 34008892, 32359821, 33226606, 33233744, 33040356, 35675912, 35643372, 37012328, 9848783)

Department of Human Genetics, Hannover Medical School
Classification: Likely pathogenic for X-linked Alport syndrome. Last evaluated: 2024-02-16. Review status: criteria provided, single submitter. Criteria: ACMG Guidelines, 2015. Collection method: clinical testing. Allele origin: germline. Affected: yes.

Clinical Genetics Laboratory, Skane University Hospital Lund
Classification: Likely pathogenic. Last evaluated: 2023-08-25. Review status: criteria provided, single submitter. Criteria: ACMG Guidelines, 2015. Collection method: clinical testing. Allele origin: germline. Affected: yes.

Johns Hopkins Genomics, Johns Hopkins University
Classification: Pathogenic for X-linked Alport syndrome. Last evaluated: 2023-08-11. Review status: criteria provided, single submitter. Criteria: ACMG Guidelines, 2015. Collection method: clinical testing. Allele origin: germline.
Comment: This COL4A5 missense variant has been identified in several unrelated individuals as well as in families manifesting mild to severe features of COL4A5- related disease. This variant (rs104886142) is rare (<0.1%) in a large population dataset (gnomAD v2.1.1: 16/182998 total alleles; 0.009%; 4 hemizygotes, no homozygotes). It has been reported in ClinVar (Variation ID 24455). Two bioinformatic tools queried predict that this substitution would be damaging, and the glycine residue at this position is evolutionarily conserved across most of the species assessed. We consider c.1871G>A in COL4A5 to be pathogenic.

Pittsburgh Clinical Genomics Laboratory, University of Pittsburgh Medical Center
Classification: Pathogenic for X-linked Alport syndrome. Last evaluated: 2023-05-24. Review status: criteria provided, single submitter. Criteria: ACMG Guidelines, 2015. Collection method: clinical testing. Allele origin: germline. Inheritance: X-linked dominant inheritance. Affected: yes.
Comment: This sequence variant is a single nucleotide substitution (G>A) which results in a glycine to aspartic acid amino acid change at residue 624 in the COL4A5 protein. This variant is rare in the gnomAD control population dataset (16/182998 alleles or 0.009%). Multiple bioinformatic tools predict that this glycine to aspartic acid residue change will be damaging, and glycine is highly conserved at this position in vertebrates. Given the available evidence, we consider this variant to be pathogenic. ACMG Criteria: PP1, PP3, PP4, PS4

Molecular Genetics McLendon Clinical Laboratories, University of North Carolina at Chapel Hill
Classification: Pathogenic for X-linked Alport syndrome. Last evaluated: 2023-03-20. Review status: criteria provided, single submitter. Criteria: ACMG Guidelines, 2015. Collection method: clinical testing. Allele origin: germline.

Mayo Clinic Laboratories, Mayo Clinic
Classification: Pathogenic. Last evaluated: 2023-01-13. Review status: criteria provided, single submitter. Criteria: ACMG Guidelines, 2015. Collection method: clinical testing. Allele origin: germline. Observed: 1 variant allele.
Comment: PP1_strong, PP3, PP4, PM1, PS4

Genetics and Molecular Pathology, SA Pathology
Classification: Pathogenic for X-linked Alport syndrome. Last evaluated: 2022-06-22. Review status: criteria provided, single submitter. Criteria: ACMG Guidelines, 2015. Collection method: clinical testing. Allele origin: germline. Inheritance: X-linked dominant inheritance. Affected: yes.
Comment: The COL4A5 c.1871G>A variant is classified as a PATHOGENIC variant (PS3, PS4, PM1, PP3, PP4) This variant is a single nucleotide change in exon 25/53 of the COL4A5 gene, which is predicted to change the amino acid glycine at position 624 in the protein to aspartic acid. The variant is located in protein domain: collagen triple helix repeat, of the COL4A5 gene. Missense variants in nearby Glycine residues have been reported to be associated with Alport syndrome, supporting the functional importance of this region of the protein (PMID: 24077912) (PM1). Functional studies have demonstrated that this variant significantly reduces COL4A5 protein and cell proliferation rate (PMID: 29142990) (PS3). This is a recurrence variant which has been previously reported multiple times in individuals with Alport syndrome (PMID: 17396119, 21332469, 24470729, 30691124, 31850286) and has been detected in three patients with Alport syndrome in our database (PS4). The variant is in dbSNP (rs104886142) and has been reported in population databases at low frequency (gnomAD 7/112356, 5 heterozygotes, 1 hemizygotes). The variant has been reported in ClinVar multiple times (Variation ID 24455) and HGMD (Accession CM983308) as pathogenic/ disease causing. Computational predictions support a deleterious effect on the gene or gene product (PP3). Patient's phenotype and family history for this case is highly specific for the COL4A5 gene (PP4).

MGZ Medical Genetics Center
Classification: Pathogenic for X-linked Alport syndrome. Last evaluated: 2022-06-07. Review status: criteria provided, single submitter. Criteria: ACMG Guidelines, 2015. Collection method: clinical testing. Allele origin: germline. Affected: yes. Observed: 3 variant alleles.
Comment: ACMG criteria applied: PM1_STR, PS4_MOD, PM5, PM2_SUP, PP1, PP3

Mendelics
Classification: Pathogenic for X-linked Alport syndrome. Last evaluated: 2022-05-04. Review status: criteria provided, single submitter. Criteria: Mendelics Assertion Criteria 2019. Collection method: clinical testing. Allele origin: germline.

Laboratory of Medical Genetics, National & Kapodistrian University of Athens
Classification: Pathogenic for X-linked Alport syndrome. Last evaluated: 2021-10-01. Review status: criteria provided, single submitter. Criteria: ACMG Guidelines, 2015. Collection method: clinical testing. Allele origin: unknown. Affected: yes.
Comment: PM1, PP2, PP3, PP4, PP5

Women's Health and Genetics/Laboratory Corporation of America, LabCorp
Classification: Pathogenic for Alport syndrome X-linked. Last evaluated: 2020-12-21. Review status: criteria provided, single submitter. Criteria: LabCorp Variant Classification Summary - May 2015. Collection method: clinical testing. Allele origin: germline.
Comment: Variant summary: COL4A5 c.1871G>A (p.Gly624Asp) results in a non-conservative amino acid change in the encoded protein sequence. This variant is positioned right before the 12th natural tripeptide Gly-X-Y interruption which is of G1G type, thereby converting it to a G4G interruption in the collagenous domain (Demosthenous_2011). Four of five in-silico tools predict a damaging effect of the variant on protein function. The variant allele was found at a frequency of 8.7e-05 in 182998 control chromosomes (gnomAD). This frequency is not higher than expected for a pathogenic variant in COL4A5 causing Alport Syndrome 1, X-Linked Recessive (8.7e-05 vs 0.0046), allowing no conclusion about variant significance. c.1871G>A has been reported in the literature in multiple individuals affected with Alport Syndrome, benign familial hematuria, end-stage renal disease and thin basement membrane nephropathy (Martin_1998, Slajpah_2007, Demosthenous_2011, Weber_2016). These data indicate that the variant is very likely to be associated with disease. To our knowledge, no experimental evidence demonstrating an impact on protein function has been reported. 11 ClinVar submitters (evaluation after 2014) cite the variant as uncertain significance (1x) and pathogenic (10x). Based on the evidence outlined above, the variant was classified as pathogenic.

Molecular Genetics, Royal Melbourne Hospital
Classification: Likely pathogenic for X-linked Alport syndrome. Last evaluated: 2020-04-23. Review status: criteria provided, single submitter. Criteria: ACMG Guidelines, 2015. Collection method: clinical testing. Allele origin: germline. Affected: yes.
Comment: This sequence change is predicted to replace glycine with aspartic acid at codon 624 of the COL4A5 protein (p.Gly624Asp). The glycine residue is highly conserved (100 vertebrates, UCSC), and is located in the collagen triple helix domain but not in a full Gly-X-Y repeat. There is a moderate physicochemical difference between glycine and aspartic acid. The variant is present in a large population cohort at a frequency of 0.009% (rs104886142, 16/182,998 alleles, 0 homozygotes, 4 hemizygotes in gnomAD v2.1). The variant has been reported in association with haematuria, chronic renal failure, and end-stage renal disease with a later age of onset in both heterozygous females and hemizygous males, and segregates with disease in a large number of families (PMID: 17396119, 21332469, 24470729, 30691124, 31850286 - PP1_Strong). The variant causes a secretion-dependent defect in an in vitro trimer formation assay (PMID: 29526710 - PS3_Supporting). Multiple lines of computational evidence predict a deleterious effect for the missense substitution (6/7 algorithms - PP3). Based on the classification scheme RMH ACMG Guidelines v1.2.1, this variant is classified as LIKELY PATHOGENIC. Following criteria are met: PP1_Strong, PM3, PS3_Supporting, PP3, PP4.

Gharavi Laboratory, Columbia University
Classification: Pathogenic. Last evaluated: 2018-09-16. Review status: criteria provided, single submitter. Criteria: ACMG Guidelines, 2015. Collection method: research. Allele origin: germline. Affected: yes.

Athena Diagnostics
Classification: Pathogenic. Last evaluated: 2017-09-08. Review status: criteria provided, single submitter. Criteria: Athena Diagnostics Criteria. Collection method: clinical testing. Allele origin: germline.